The following is an entry in ClinVar:

NM_001170700.3(DTHD1):c.2113G>A (p.Gly705Arg)

Gene: DTHD1 (death domain containing 1; plus strand). Cytogenetic location: 4p14.
Variant type: single nucleotide variant.
Coding change: c.2113G>A on transcript NM_001170700.3 (MANE Select); coding-DNA position 2113, G replaced by A.
Protein change: p.Gly705Arg; replaces glycine 705 with arginine.
Molecular consequence: missense variant. On other transcripts: non-coding transcript variant (2).
Genome position (GRCh38, 1-based): chr4:36,316,259, G>A. VCF-style: chr4-36316259-G-A. GRCh37 (hg19) VCF-style: chr4-36317881-G-A.
Other names: c.1243G>A, p.Gly415Arg (NM_001136536.5); c.1180G>A, p.Gly394Arg (NM_001378435.1); c.1738G>A (NM_001170700.1); short protein forms G415R, G394R, G705R.
Identifiers: ClinVar variation 971757 (VCV000971757.11), dbSNP rs1757722009, ClinGen allele CA356681337.

ClinVar aggregate classification (germline): Uncertain significance. Review status: criteria provided, multiple submitters, no conflicts (2 of 4 stars). 2 submissions from 2 submitters: Uncertain significance (2). Last evaluated 2024-03-04.

Allele frequency attached by ClinVar (database versions not stated): gnomAD exomes below 0.00001; TOPMed 0.00002.
gnomAD v4.1: 4 of 1,550,954 alleles (0.00026%); highest among the groups gnomAD compares: African/African-American, 0.0014%; no homozygotes.

Submissions (2):

Ambry Genetics
Classification: Uncertain significance. Last evaluated: 2024-03-04. Review status: criteria provided, single submitter. Criteria: Ambry Variant Classification Scheme 2023. Collection method: clinical testing. Allele origin: germline.

Labcorp Genetics (formerly Invitae), Labcorp
Classification: Uncertain significance. Last evaluated: 2022-07-12. Review status: criteria provided, single submitter. Criteria: Invitae Variant Classification Sherloc (09022015). Collection method: clinical testing. Allele origin: germline.
Comment: This variant is not present in population databases (gnomAD no frequency). This sequence change replaces glycine, which is neutral and non-polar, with arginine, which is basic and polar, at codon 415 of the DTHD1 protein (p.Gly415Arg). This variant has not been reported in the literature in individuals affected with DTHD1-related conditions. ClinVar contains an entry for this variant (Variation ID: 971757). Algorithms developed to predict the effect of missense changes on protein structure and function output the following: SIFT: "Deleterious"; PolyPhen-2: "Benign"; Align-GVGD: "Class C25". The arginine amino acid residue is found in multiple mammalian species, which suggests that this missense change does not adversely affect protein function. Algorithms developed to predict the effect of sequence changes on RNA splicing suggest that this variant may disrupt the consensus splice site. In summary, the available evidence is currently insufficient to determine the role of this variant in disease. Therefore, it has been classified as a Variant of Uncertain Significance.